The following is an entry in ClinVar:

ClinVar aggregate classification (germline): Uncertain significance. Review status: criteria provided, multiple submitters, no conflicts (2 of 4 stars). 3 submissions from 3 submitters: Uncertain significance (3). Last evaluated 2025-09-05.

Conditions:
Gorlin syndrome. Also called: Nevoid Basal Cell Carcinoma Syndrome; Basal cell nevus syndrome. Identifiers: Orphanet 377, MedGen C0004779, MONDO:0007187.
Medulloblastoma (MDB). Also called: MEDULLOBLASTOMA PREDISPOSITION SYNDROME; Medulloblastoma, somatic. Identifiers: Orphanet 616, MedGen C0025149, MeSH D008527, MONDO:0007959, OMIM 155255, HP:0002885.
Hereditary cancer-predisposing syndrome. Also called: Hereditary neoplastic syndrome; Tumor predisposition; Neoplastic Syndromes, Hereditary; Hereditary Cancer Syndrome. Identifiers: Orphanet 140162, MedGen C0027672, MeSH D009386, MONDO:0015356.

Allele frequency attached by ClinVar (database versions not stated): gnomAD exomes below 0.00001 and 0.00002; TOPMed below 0.00001; gnomAD 0.00001; ExAC 0.00002.
gnomAD v4.1: 6 of 1,614,032 alleles (0.00037%); highest among the groups gnomAD compares: South Asian, 0.0011%; no homozygotes.

Submissions (3):

Labcorp Genetics (formerly Invitae), Labcorp
Classification: Uncertain significance for Gorlin syndrome; Medulloblastoma. Last evaluated: 2025-09-05. Review status: criteria provided, single submitter. Criteria: Invitae Variant Classification Sherloc (09022015). Collection method: clinical testing. Allele origin: germline.
Comment: This sequence change replaces arginine, which is basic and polar, with histidine, which is basic and polar, at codon 123 of the SUFU protein (p.Arg123His). This variant is present in population databases (rs745958724, gnomAD 0.003%). This variant has not been reported in the literature in individuals affected with SUFU-related conditions. ClinVar contains an entry for this variant (Variation ID: 856862). Invitae Evidence Modeling of protein sequence and biophysical properties (such as structural, functional, and spatial information, amino acid conservation, physicochemical variation, residue mobility, and thermodynamic stability) indicates that this missense variant is expected to disrupt SUFU protein function with a positive predictive value of 80%. In summary, the available evidence is currently insufficient to determine the role of this variant in disease. Therefore, it has been classified as a Variant of Uncertain Significance.

Ambry Genetics
Classification: Uncertain significance for Hereditary cancer-predisposing syndrome. Last evaluated: 2024-03-06. Review status: criteria provided, single submitter. Criteria: Ambry Variant Classification Scheme 2023. Collection method: clinical testing. Allele origin: germline.
Comment: The p.R123H variant (also known as c.368G>A), located in coding exon 3 of the SUFU gene, results from a G to A substitution at nucleotide position 368. The arginine at codon 123 is replaced by histidine, an amino acid with highly similar properties. This amino acid position is highly conserved in available vertebrate species. In addition, this alteration is predicted to be deleterious by in silico analysis. Since supporting evidence is limited at this time, the clinical significance of this alteration remains unclear.

GeneDx
Classification: Uncertain significance. Last evaluated: 2023-03-13. Review status: criteria provided, single submitter. Criteria: GeneDx Variant Classification Process June 2021. Collection method: clinical testing. Allele origin: germline. Affected: yes.
Comment: Not observed at significant frequency in large population cohorts (gnomAD); In silico analysis supports that this missense variant has a deleterious effect on protein structure/function; Has not been previously published as pathogenic or benign to our knowledge; This variant is associated with the following publications: (PMID: 24311597)

NM_016169.4(SUFU):c.368G>A (p.Arg123His)

Gene: SUFU (SUFU negative regulator of hedgehog signaling; plus strand). Cytogenetic location: 10q24.32.
Variant type: single nucleotide variant.
Coding change: c.368G>A on transcript NM_016169.4 (MANE Select); coding-DNA position 368, G replaced by A.
Protein change: p.Arg123His; replaces arginine 123 with histidine.
Molecular consequence: missense variant.
Genome position (GRCh38, 1-based): chr10:102,550,020, G>A. VCF-style: chr10-102550020-G-A. GRCh37 (hg19) VCF-style: chr10-104309777-G-A.
Other names: c.368G>A, p.Arg123His (NM_001178133.2); short protein forms R123H.
Identifiers: ClinVar variation 856862 (VCV000856862.13), dbSNP rs745958724, ClinGen allele CA5667661.
Genomic context (GRCh38, chr10:102,550,020, plus strand): 5'-TGTCTTTCAGGTTTACAGGAACAGATGGACCTAGTGGTTTTGGCTTTGAGTTGACCTTTC[G>A]TCTGAAGAGAGAAACTGGGGAGTCTGCCCCACCAACATGGCCCGCAGAGTTAATGCAGGG-3'
Protein context (NP_057253.2, residues 113-133): PSGFGFELTF[Arg123His]LKRETGESAP